The following is an entry in ClinVar:

NM_005120.3(MED12):c.5475C>A (p.Asn1825Lys)

Gene: MED12 (mediator complex subunit 12; plus strand). Cytogenetic location: Xq13.1.
Variant type: single nucleotide variant.
Coding change: c.5475C>A on transcript NM_005120.3 (MANE Select); coding-DNA position 5475, C replaced by A.
Protein change: p.Asn1825Lys; replaces asparagine 1825 with lysine.
Molecular consequence: missense variant.
Genome position (GRCh38, 1-based): chrX:71,136,953, C>A. VCF-style: chrX-71136953-C-A. GRCh37 (hg19) VCF-style: chrX-70356803-C-A.
Other names: short protein forms N1825K.
Identifiers: ClinVar variation 2766700 (VCV002766700.3), dbSNP rs2519713178, ClinGen allele CA413535864.

ClinVar aggregate classification (germline): Uncertain significance (1 of 4 stars; one submission).

Conditions:
FG syndrome (FGS). Identifiers: MedGen C0220769, MONDO:0002010.

Submission:

Labcorp Genetics (formerly Invitae), Labcorp
Classification: Uncertain significance for FG syndrome. Last evaluated: 2024-04-10. Review status: criteria provided, single submitter. Criteria: Invitae Variant Classification Sherloc (09022015). Collection method: clinical testing. Allele origin: germline.
Comment: This sequence change replaces asparagine, which is neutral and polar, with lysine, which is basic and polar, at codon 1825 of the MED12 protein (p.Asn1825Lys). This variant is not present in population databases (gnomAD no frequency). This variant has not been reported in the literature in individuals affected with MED12-related conditions. Advanced modeling of protein sequence and biophysical properties (such as structural, functional, and spatial information, amino acid conservation, physicochemical variation, residue mobility, and thermodynamic stability) performed at Invitae indicates that this missense variant is not expected to disrupt MED12 protein function with a negative predictive value of 95%. In summary, the available evidence is currently insufficient to determine the role of this variant in disease. Therefore, it has been classified as a Variant of Uncertain Significance.